The following is an entry in ClinVar:

NM_020975.6(RET):c.1339G>A (p.Ala447Thr)

Gene: RET (ret proto-oncogene; plus strand). Cytogenetic location: 10q11.21.
Variant type: single nucleotide variant.
Coding change: c.1339G>A on transcript NM_020975.6 (MANE Select); coding-DNA position 1339, G replaced by A.
Protein change: p.Ala447Thr; replaces alanine 447 with threonine.
Molecular consequence: missense variant.
Genome position (GRCh38, 1-based): chr10:43,111,282, G>A. VCF-style: chr10-43111282-G-A. GRCh37 (hg19) VCF-style: chr10-43606730-G-A.
Other names: c.1339G>A, p.Ala447Thr (NM_000323.2, NM_001406743.1, NM_001406744.1 and 6 more transcripts); c.577G>A, p.Ala193Thr (NM_001355216.2); c.1210G>A, p.Ala404Thr (NM_001406761.1, NM_001406762.1, NM_001406764.1 and 1 more transcripts); c.1051G>A, p.Ala351Thr (NM_001406766.1, NM_001406767.1, NM_001406770.1); c.943G>A, p.Ala315Thr (NM_001406769.1, NM_001406772.1); c.901G>A, p.Ala301Thr (NM_001406771.1, NM_001406773.1); c.814G>A, p.Ala272Thr (NM_001406774.1); c.613G>A, p.Ala205Thr (NM_001406775.1, NM_001406776.1, NM_001406777.1 and 1 more transcripts); and 1 more; short protein forms A193T, A447T, A117T, A301T, A315T, A404T, A205T, A272T.
Identifiers: ClinVar variation 1523517 (VCV001523517.9), dbSNP rs2132768249, ClinGen allele CA376549071.

ClinVar aggregate classification (germline): Uncertain significance (1 of 4 stars; one submission).

Conditions:
Multiple endocrine neoplasia, type 2 (MEN2). Identifiers: Orphanet 653, MedGen C4048306, MONDO:0019003. Disease mechanism: gain of function.

Submission:

Labcorp Genetics (formerly Invitae), Labcorp
Classification: Uncertain significance for Multiple endocrine neoplasia, type 2. Last evaluated: 2024-05-08. Review status: criteria provided, single submitter. Criteria: Invitae Variant Classification Sherloc (09022015). Collection method: clinical testing. Allele origin: germline.
Comment: This sequence change replaces alanine, which is neutral and non-polar, with threonine, which is neutral and polar, at codon 447 of the RET protein (p.Ala447Thr). This variant is not present in population databases (gnomAD no frequency). This variant has not been reported in the literature in individuals affected with RET-related conditions. ClinVar contains an entry for this variant (Variation ID: 1523517). Algorithms developed to predict the effect of missense changes on protein structure and function output the following: SIFT: "Not Available"; PolyPhen-2: "Benign"; Align-GVGD: "Not Available". The threonine amino acid residue is found in multiple mammalian species, which suggests that this missense change does not adversely affect protein function. In summary, the available evidence is currently insufficient to determine the role of this variant in disease. Therefore, it has been classified as a Variant of Uncertain Significance.